The following is an entry in ClinVar:

ClinVar aggregate classification (germline): Uncertain significance. Review status: criteria provided, multiple submitters, no conflicts (2 of 4 stars). 2 submissions from 2 submitters: Uncertain significance (2). Last evaluated 2025-01-09.

Conditions:
Inborn genetic diseases. Identifiers: MedGen C0950123, MeSH D030342.
Isolated microphthalmia 3 (MCOPS16). Also called: MICROPHTHALMIA, SYNDROMIC 16. Identifiers: Orphanet 2542, MedGen C5774181, MONDO:0012604, OMIM 611038.

Allele frequency attached by ClinVar (database versions not stated): gnomAD exomes 0.00001 and 0.00006; ExAC 0.00002; gnomAD 0.00006; TOPMed 0.00018.
gnomAD v4.1: 29 of 1,480,786 alleles (0.002%); highest among the groups gnomAD compares: Admixed American, 0.033%; no homozygotes.

Submissions (2):

Ambry Genetics
Classification: Uncertain significance for Inborn genetic diseases. Last evaluated: 2025-01-09. Review status: criteria provided, single submitter. Criteria: Ambry Variant Classification Scheme 2023. Collection method: clinical testing. Allele origin: germline.

Labcorp Genetics (formerly Invitae), Labcorp
Classification: Uncertain significance for Isolated microphthalmia 3. Last evaluated: 2021-08-30. Review status: criteria provided, single submitter. Criteria: Invitae Variant Classification Sherloc (09022015). Collection method: clinical testing. Allele origin: germline.
Comment: This sequence change replaces glutamic acid with glutamine at codon 96 of the RAX protein (p.Glu96Gln). The glutamic acid residue is moderately conserved and there is a small physicochemical difference between glutamic acid and glutamine. This variant is present in population databases (rs746126022, ExAC 0.003%). This variant has not been reported in the literature in individuals affected with RAX-related conditions. Algorithms developed to predict the effect of missense changes on protein structure and function (SIFT, PolyPhen-2, Align-GVGD) all suggest that this variant is likely to be tolerated. In summary, the available evidence is currently insufficient to determine the role of this variant in disease. Therefore, it has been classified as a Variant of Uncertain Significance.

NM_013435.3(RAX):c.286G>C (p.Glu96Gln)

Gene: RAX (retina and anterior neural fold homeobox; minus strand). Cytogenetic location: 18q21.32.
Variant type: single nucleotide variant.
Coding change: c.286G>C on transcript NM_013435.3 (MANE Select); coding-DNA position 286, G replaced by C.
Protein change: p.Glu96Gln; replaces glutamic acid 96 with glutamine.
Molecular consequence: missense variant.
Genome position (GRCh38, 1-based): chr18:59,272,921, C>G on the plus strand (G>C on the coding strand, the complement: RAX is on the minus strand). VCF-style: chr18-59272921-C-G. GRCh37 (hg19) VCF-style: chr18-56940153-C-G.
Other names: c.286G>C (NM_013435.2); short protein forms E96Q.
Identifiers: ClinVar variation 1363557 (VCV001363557.7), dbSNP rs746126022, ClinGen allele CA8979403.
Genomic context (GRCh38, chr18:59,272,921, plus strand): 5'-CCAACTCCTAAGCTCGGGCGCCCGAACGGCCTCGCACAGCCAGGGGTGCGCACTCACCTT[C>G]GTACTCGGGGGCGGGCGCCGGGGCTGGCGGCGGGGAGGGCTCGGAGCCTTCCTCGGGCGC-3'
Protein context (NP_038463.2, residues 86-106): PPAPAPAPEY[Glu96Gln]APRPYCPKEP